The following is an entry in ClinVar:

ClinVar aggregate classification (germline): Uncertain significance (1 of 4 stars; one submission).

Allele frequency attached by ClinVar (database versions not stated): ExAC 0.00022.
gnomAD v4.1: 49 of 1,536,024 alleles (0.0032%); highest among the groups gnomAD compares: South Asian, 0.019%; no homozygotes.

Submission:

Labcorp Genetics (formerly Invitae), Labcorp
Classification: Uncertain significance. Last evaluated: 2022-02-03. Review status: criteria provided, single submitter. Criteria: Invitae Variant Classification Sherloc (09022015). Collection method: clinical testing. Allele origin: germline.
Comment: This sequence change replaces arginine, which is basic and polar, with histidine, which is basic and polar, at codon 725 of the ARMC9 protein (p.Arg725His). This variant is present in population databases (rs768217263, gnomAD 0.03%). This variant has not been reported in the literature in individuals affected with ARMC9-related conditions. Experimental studies and prediction algorithms are not available or were not evaluated, and the functional significance of this variant is currently unknown. In summary, the available evidence is currently insufficient to determine the role of this variant in disease. Therefore, it has been classified as a Variant of Uncertain Significance.

NM_001352754.2(ARMC9):c.2174G>A (p.Arg725His)

Genes: ARMC9 (armadillo repeat containing 9; plus strand), LOC122861306 (Sharpr-MPRA regulatory region 9410; plus strand). Cytogenetic location: 2q37.1.
Variant type: single nucleotide variant.
Coding change: c.2174G>A on transcript NM_001352754.2 (MANE Select); coding-DNA position 2174, G replaced by A.
Protein change: p.Arg725His; replaces arginine 725 with histidine.
Molecular consequence: missense variant.
Genome position (GRCh38, 1-based): chr2:231,360,796, G>A. VCF-style: chr2-231360796-G-A. GRCh37 (hg19) VCF-style: chr2-232225508-G-A.
Other names: c.2174G>A, p.Arg725His (NM_001271466.4); short protein forms R725H.
Identifiers: ClinVar variation 1494027 (VCV001494027.5), dbSNP rs768217263, ClinGen allele CA2160584.